The following is an entry in ClinVar:

NM_006767.4(LZTR1):c.2407G>C (p.Val803Leu)

Gene: LZTR1 (leucine zipper like post translational regulator 1; plus strand). Cytogenetic location: 22q11.21.
Variant type: single nucleotide variant.
Coding change: c.2407G>C on transcript NM_006767.4 (MANE Select); coding-DNA position 2407, G replaced by C.
Protein change: p.Val803Leu; replaces valine 803 with leucine.
Molecular consequence: missense variant.
Genome position (GRCh38, 1-based): chr22:20,997,232, G>C. VCF-style: chr22-20997232-G-C. GRCh37 (hg19) VCF-style: chr22-21351521-G-C.
Other names: short protein forms V803L.
Identifiers: ClinVar variation 3541734 (VCV003541734.4).

ClinVar aggregate classification (germline): Uncertain significance. Review status: criteria provided, multiple submitters, no conflicts (2 of 4 stars). 2 submissions from 2 submitters: Uncertain significance (2). Last evaluated 2025-08-02.

Conditions:
Hereditary cancer-predisposing syndrome. Also called: Hereditary Cancer Syndrome; Hereditary neoplastic syndrome; Tumor predisposition; Neoplastic Syndromes, Hereditary. Identifiers: Orphanet 140162, MedGen C0027672, MeSH D009386, MONDO:0015356.
Cardiovascular phenotype. Identifiers: MedGen CN230736.

Submissions (2):

Ambry Genetics
Classification: Uncertain significance for Cardiovascular phenotype; Hereditary cancer-predisposing syndrome. Last evaluated: 2025-08-02. Review status: criteria provided, single submitter. Criteria: Ambry Variant Classification Scheme 2023. Collection method: clinical testing. Allele origin: germline.
Comment: The p.V803L variant (also known as c.2407G>C) is located in coding exon 21 of the LZTR1 gene. The valine at codon 803 is replaced by leucine, an amino acid with highly similar properties. This change occurs in the first base pair of coding exon 21. This amino acid position is conserved. In addition, the in silico prediction for this alteration is inconclusive. Based on the available evidence, the clinical significance of this variant remains unclear.

Labcorp Genetics (formerly Invitae), Labcorp
Classification: Uncertain significance. Last evaluated: 2024-12-05. Review status: criteria provided, single submitter. Criteria: Invitae Variant Classification Sherloc (09022015). Collection method: clinical testing. Allele origin: germline.
Comment: This sequence change replaces valine, which is neutral and non-polar, with leucine, which is neutral and non-polar, at codon 803 of the LZTR1 protein (p.Val803Leu). This variant is not present in population databases (gnomAD no frequency). This variant has not been reported in the literature in individuals affected with LZTR1-related conditions. An algorithm developed to predict the effect of missense changes on protein structure and function (PolyPhen-2) suggests that this variant is likely to be tolerated. In summary, the available evidence is currently insufficient to determine the role of this variant in disease. Therefore, it has been classified as a Variant of Uncertain Significance.